The following is an entry in ClinVar:

NM_017654.4(SAMD9):c.626A>G (p.Glu209Gly)

Gene: SAMD9 (sterile alpha motif domain containing 9; minus strand). Cytogenetic location: 7q21.2.
Variant type: single nucleotide variant.
Coding change: c.626A>G on transcript NM_017654.4 (MANE Select); coding-DNA position 626, A replaced by G.
Protein change: p.Glu209Gly; replaces glutamic acid 209 with glycine.
Molecular consequence: missense variant.
Genome position (GRCh38, 1-based): chr7:93,105,472, T>C on the plus strand (A>G on the coding strand, the complement: SAMD9 is on the minus strand). VCF-style: chr7-93105472-T-C. GRCh37 (hg19) VCF-style: chr7-92734785-T-C.
Other names: c.626A>G, p.Glu209Gly (NM_001193307.2); short protein forms E209G.
Identifiers: ClinVar variation 3792086 (VCV003792086.1).

ClinVar aggregate classification (germline): Uncertain significance (1 of 4 stars; one submission).

Conditions:
Inborn genetic diseases. Identifiers: MedGen C0950123, MeSH D030342.

Submission:

Ambry Genetics
Classification: Uncertain significance for Inborn genetic diseases. Last evaluated: 2025-02-13. Review status: criteria provided, single submitter. Criteria: Ambry Variant Classification Scheme 2023. Collection method: clinical testing. Allele origin: germline.
Comment: The p.E209G variant (also known as c.626A>G), located in coding exon 1 of the SAMD9 gene, results from an A to G substitution at nucleotide position 626. The glutamic acid at codon 209 is replaced by glycine, an amino acid with similar properties. This amino acid position is conserved. In addition, this alteration is predicted to be tolerated by in silico analysis. Based on the available evidence, the clinical significance of this variant remains unclear.